The following is an entry in ClinVar:

NM_001379110.1(SLC9A6):c.76A>G (p.Ile26Val)

Genes: SLC9A6 (solute carrier family 9 member A6; plus strand), LOC130068747 (ATAC-STARR-seq lymphoblastoid active region 29988; plus strand). Cytogenetic location: Xq26.3.
Variant type: single nucleotide variant.
Coding change: c.76A>G on transcript NM_001379110.1 (MANE Select); coding-DNA position 76, A replaced by G.
Protein change: p.Ile26Val; replaces isoleucine 26 with valine.
Molecular consequence: missense variant.
Genome position (GRCh38, 1-based): chrX:135,985,734, A>G. VCF-style: chrX-135985734-A-G. GRCh37 (hg19) VCF-style: chrX-135067893-A-G.
Other names: c.232A>G, p.Ile78Val (NM_001042537.2, NM_006359.3); c.76A>G, p.Ile26Val (NM_001177651.2, NM_001330652.2); short protein forms I26V, I78V.
Identifiers: ClinVar variation 1305512 (VCV001305512.2), dbSNP rs2148129925, ClinGen allele CA414606806.
Genomic context (GRCh38, chrX:135,985,734, plus strand): 5'-GTGTCCGAGAAGCAAGCCGAGGAGAGCCACCGGCAGGACAGCGCCAACCTGCTCATCTTC[A>G]TCCTGCTGCTCACCCTCACCATTCTCACAATCTGGCTCTTCAAGCACCGCCGGGCCCGCT-3'
Protein context (NP_001366039.1, residues 16-36): RQDSANLLIF[Ile26Val]LLLTLTILTI

ClinVar aggregate classification (germline): Uncertain significance (1 of 4 stars; one submission).

Submission:

GeneDx
Classification: Uncertain significance. Last evaluated: 2019-05-08. Review status: criteria provided, single submitter. Criteria: GeneDx Variant Classification Process June 2021. Collection method: clinical testing. Allele origin: germline. Affected: yes.
Comment: Not observed in large population cohorts (Lek et al., 2016); In silico analysis, which includes protein predictors and evolutionary conservation, supports that this variant does not alter protein structure/function; Has not been previously published as pathogenic or benign to our knowledge